The following is an entry in ClinVar:

NM_006922.4(SCN3A):c.1155G>A (p.Trp385Ter)

Gene: SCN3A (sodium voltage-gated channel alpha subunit 3; minus strand). Cytogenetic location: 2q24.3.
Variant type: single nucleotide variant.
Coding change: c.1155G>A on transcript NM_006922.4 (MANE Select); coding-DNA position 1155, G replaced by A.
Protein change: p.Trp385Ter; replaces tryptophan 385 with a stop codon.
Molecular consequence: nonsense.
Genome position (GRCh38, 1-based): chr2:165,155,780, C>T on the plus strand (G>A on the coding strand, the complement: SCN3A is on the minus strand). VCF-style: chr2-165155780-C-T. GRCh37 (hg19) VCF-style: chr2-166012290-C-T.
Other names: c.1155G>A, p.Trp385Ter (NM_001081676.2, NM_001081677.2); short protein forms W385*.
Identifiers: ClinVar variation 1305563 (VCV001305563.3), dbSNP rs1553535422, ClinGen allele CA349238394.

ClinVar aggregate classification (germline): Uncertain significance (1 of 4 stars; one submission).

Submission:

GeneDx
Classification: Uncertain significance. Last evaluated: 2024-12-11. Review status: criteria provided, single submitter. Criteria: GeneDx Variant Classification Process June 2021. Collection method: clinical testing. Allele origin: germline. Affected: yes.
Comment: Not observed at significant frequency in large population cohorts (gnomAD); Nonsense variant predicted to result in protein truncation as the last 1616 amino acids are lost; Has not been previously published as pathogenic or benign to our knowledge